The following is an entry in ClinVar:

NM_001042492.3(NF1):c.7922A>G (p.Glu2641Gly)

Gene: NF1 (neurofibromin 1; plus strand). Cytogenetic location: 17q11.2.
Variant type: single nucleotide variant.
Coding change: c.7922A>G on transcript NM_001042492.3 (MANE Select); coding-DNA position 7922, A replaced by G.
Protein change: p.Glu2641Gly; replaces glutamic acid 2641 with glycine.
Molecular consequence: missense variant.
Genome position (GRCh38, 1-based): chr17:31,357,321, A>G. VCF-style: chr17-31357321-A-G. GRCh37 (hg19) VCF-style: chr17-29684339-A-G.
Other names: c.7859A>G, p.Glu2620Gly (NM_000267.4); short protein forms E2641G, E2620G.
Identifiers: ClinVar variation 1949292 (VCV001949292.5), dbSNP rs876658205, ClinGen allele CA399203464.

ClinVar aggregate classification (germline): Uncertain significance (1 of 4 stars; one submission).

Conditions:
Neurofibromatosis, type 1 (NF1). Also called: NEUROFIBROMATOSIS, TYPE I, SOMATIC; Peripheral type neurofibromatosis; VON RECKLINGHAUSEN DISEASE; Neurofibromatosis, type I. Identifiers: Orphanet 636, MedGen C0027831, MONDO:0018975, OMIM 162200. Disease mechanism: loss of function.

Submission:

Labcorp Genetics (formerly Invitae), Labcorp
Classification: Uncertain significance for Neurofibromatosis, type 1. Last evaluated: 2021-12-29. Review status: criteria provided, single submitter. Criteria: Invitae Variant Classification Sherloc (09022015). Collection method: clinical testing. Allele origin: germline.
Comment: In summary, the available evidence is currently insufficient to determine the role of this variant in disease. Therefore, it has been classified as a Variant of Uncertain Significance. Algorithms developed to predict the effect of missense changes on protein structure and function are either unavailable or do not agree on the potential impact of this missense change (SIFT: "Deleterious"; PolyPhen-2: "Probably Damaging"; Align-GVGD: "Class C0"). This variant has not been reported in the literature in individuals affected with NF1-related conditions. This variant is not present in population databases (gnomAD no frequency). This sequence change replaces glutamic acid, which is acidic and polar, with glycine, which is neutral and non-polar, at codon 2620 of the NF1 protein (p.Glu2620Gly).